The following is an entry in ClinVar:

ClinVar aggregate classification (germline): Uncertain significance. Review status: criteria provided, multiple submitters, no conflicts (2 of 4 stars). 2 submissions from 2 submitters: Uncertain significance (2). Last evaluated 2023-03-20.

Conditions:
Spastic paraplegia. Identifiers: MedGen C0037772, HP:0001258.
Inborn genetic diseases. Identifiers: MedGen C0950123, MeSH D030342.

Allele frequency attached by ClinVar (database versions not stated): gnomAD exomes below 0.00001 and 0.00001; gnomAD 0.00002; TOPMed 0.00004.
gnomAD v4.1: 7 of 1,613,862 alleles (0.00043%); highest among the groups gnomAD compares: Admixed American, 0.0067%; no homozygotes.

Submissions (2):

Ambry Genetics
Classification: Uncertain significance for Inborn genetic diseases. Last evaluated: 2023-03-20. Review status: criteria provided, single submitter. Criteria: Ambry Variant Classification Scheme 2023. Collection method: clinical testing. Allele origin: germline.

Labcorp Genetics (formerly Invitae), Labcorp
Classification: Uncertain significance for Spastic paraplegia. Last evaluated: 2022-08-23. Review status: criteria provided, single submitter. Criteria: Invitae Variant Classification Sherloc (09022015). Collection method: clinical testing. Allele origin: germline.
Comment: This sequence change replaces cysteine, which is neutral and slightly polar, with glycine, which is neutral and non-polar, at codon 419 of the ZFYVE26 protein (p.Cys419Gly). This variant is present in population databases (no rsID available, gnomAD 0.003%). This variant has not been reported in the literature in individuals affected with ZFYVE26-related conditions. ClinVar contains an entry for this variant (Variation ID: 834645). Algorithms developed to predict the effect of missense changes on protein structure and function are either unavailable or do not agree on the potential impact of this missense change (SIFT: "Deleterious"; PolyPhen-2: "Probably Damaging"; Align-GVGD: "Class C0"). Algorithms developed to predict the effect of sequence changes on RNA splicing suggest that this variant may disrupt the consensus splice site. In summary, the available evidence is currently insufficient to determine the role of this variant in disease. Therefore, it has been classified as a Variant of Uncertain Significance.

NM_015346.4(ZFYVE26):c.1255T>G (p.Cys419Gly)

Gene: ZFYVE26 (zinc finger FYVE-type containing 26; minus strand). Cytogenetic location: 14q24.1.
Variant type: single nucleotide variant.
Coding change: c.1255T>G on transcript NM_015346.4 (MANE Select); coding-DNA position 1255, T replaced by G.
Protein change: p.Cys419Gly; replaces cysteine 419 with glycine.
Molecular consequence: missense variant.
Genome position (GRCh38, 1-based): chr14:67,805,233, A>C on the plus strand (T>G on the coding strand, the complement: ZFYVE26 is on the minus strand). VCF-style: chr14-67805233-A-C. GRCh37 (hg19) VCF-style: chr14-68271950-A-C.
Other names: short protein forms C419G.
Identifiers: ClinVar variation 834645 (VCV000834645.8), dbSNP rs970442327, ClinGen allele CA262873535.
Genomic context (GRCh38, chr14:67,805,233, plus strand): 5'-GCTGTGCCCTGTGGTGGGCAGGCGCTGACTGCACAGGGCCATACCTGCTCTGCTGTATGC[A>C]CCACTCCAGGACCTCCAGGTGAGCCCACAACCCATCACAGGCATCCCTGAGGAGCTCATC-3'
Protein context (NP_056161.2, residues 409-429): LWAHLEVLEW[Cys419Gly]IQQSSNPIPK